The following is an entry in ClinVar:

ClinVar aggregate classification (germline): Uncertain significance (1 of 4 stars; one submission).

Allele frequency attached by ClinVar (database versions not stated): gnomAD exomes 0.00001; ExAC 0.00002.
gnomAD v4.1: 11 of 1,608,106 alleles (0.00068%); highest among the groups gnomAD compares: Non-Finnish European, 0.00093%; no homozygotes.

Submission:

Labcorp Genetics (formerly Invitae), Labcorp
Classification: Uncertain significance. Last evaluated: 2021-12-14. Review status: criteria provided, single submitter. Criteria: Invitae Variant Classification Sherloc (09022015). Collection method: clinical testing. Allele origin: germline.
Comment: In summary, the available evidence is currently insufficient to determine the role of this variant in disease. Therefore, it has been classified as a Variant of Uncertain Significance. Algorithms developed to predict the effect of missense changes on protein structure and function are either unavailable or do not agree on the potential impact of this missense change (SIFT: "Tolerated"; PolyPhen-2: "Probably Damaging"; Align-GVGD: "Class C0"). This variant has not been reported in the literature in individuals affected with TMEM38B-related conditions. This variant is present in population databases (rs771017520, gnomAD 0.002%). This sequence change replaces alanine, which is neutral and non-polar, with valine, which is neutral and non-polar, at codon 150 of the TMEM38B protein (p.Ala150Val).

NM_018112.3(TMEM38B):c.449C>T (p.Ala150Val)

Gene: TMEM38B (transmembrane protein 38B; plus strand). Cytogenetic location: 9q31.2.
Variant type: single nucleotide variant.
Coding change: c.449C>T on transcript NM_018112.3 (MANE Select); coding-DNA position 449, C replaced by T.
Protein change: p.Ala150Val; replaces alanine 150 with valine.
Molecular consequence: missense variant.
Genome position (GRCh38, 1-based): chr9:105,721,716, C>T. VCF-style: chr9-105721716-C-T. GRCh37 (hg19) VCF-style: chr9-108483997-C-T.
Other names: short protein forms A150V.
Identifiers: ClinVar variation 2042599 (VCV002042599.4), dbSNP rs771017520, ClinGen allele CA5170867.